The following is an entry in ClinVar:

ClinVar aggregate classification (germline): Uncertain significance (1 of 4 stars; one submission).

Allele frequency attached by ClinVar (database versions not stated): gnomAD exomes 0.00001; TOPMed 0.00002; ESP Exome Variant Server 0.00008.
gnomAD v4.1: 5 of 1,614,096 alleles (0.00031%); highest among the groups gnomAD compares: Non-Finnish European, 0.00042%; no homozygotes.

Submission:

Labcorp Genetics (formerly Invitae), Labcorp
Classification: Uncertain significance. Last evaluated: 2021-03-14. Review status: criteria provided, single submitter. Criteria: Invitae Variant Classification Sherloc (09022015). Collection method: clinical testing. Allele origin: germline.
Comment: This sequence change replaces serine with alanine at codon 1609 of the CAD protein (p.Ser1609Ala). The serine residue is weakly conserved and there is a moderate physicochemical difference between serine and alanine. This variant is not present in population databases (ExAC no frequency). This variant has not been reported in the literature in individuals with CAD-related conditions. Algorithms developed to predict the effect of missense changes on protein structure and function (SIFT, PolyPhen-2, Align-GVGD) all suggest that this variant is likely to be tolerated, but these predictions have not been confirmed by published functional studies and their clinical significance is uncertain. In summary, the available evidence is currently insufficient to determine the role of this variant in disease. Therefore, it has been classified as a Variant of Uncertain Significance.

NM_004341.5(CAD):c.4825T>G (p.Ser1609Ala)

Gene: CAD (carbamoyl-phosphate synthetase 2, aspartate transcarbamylase, and dihydroorotase; plus strand). Cytogenetic location: 2p23.3.
Variant type: single nucleotide variant.
Coding change: c.4825T>G on transcript NM_004341.5 (MANE Select); coding-DNA position 4825, T replaced by G.
Protein change: p.Ser1609Ala; replaces serine 1609 with alanine.
Molecular consequence: missense variant.
Genome position (GRCh38, 1-based): chr2:27,238,152, T>G. VCF-style: chr2-27238152-T-G. GRCh37 (hg19) VCF-style: chr2-27461020-T-G.
Other names: c.4636T>G, p.Ser1546Ala (NM_001306079.2); short protein forms S1609A, S1546A.
Identifiers: ClinVar variation 1436141 (VCV001436141.8), dbSNP rs370782892, ClinGen allele CA44514498.